The following is an entry in ClinVar:

NM_000494.4(COL17A1):c.2716G>A (p.Gly906Ser)

Gene: COL17A1 (collagen type XVII alpha 1 chain; minus strand). Cytogenetic location: 10q25.1.
Variant type: single nucleotide variant.
Coding change: c.2716G>A on transcript NM_000494.4 (MANE Select); coding-DNA position 2716, G replaced by A.
Protein change: p.Gly906Ser; replaces glycine 906 with serine.
Molecular consequence: missense variant.
Genome position (GRCh38, 1-based): chr10:104,040,396, C>T on the plus strand (G>A on the coding strand, the complement: COL17A1 is on the minus strand). VCF-style: chr10-104040396-C-T. GRCh37 (hg19) VCF-style: chr10-105800154-C-T.
Other names: short protein forms G906S.
Identifiers: ClinVar variation 3621581 (VCV003621581.2).

ClinVar aggregate classification (germline): Uncertain significance (1 of 4 stars; one submission).

Submission:

Labcorp Genetics (formerly Invitae), Labcorp
Classification: Uncertain significance. Last evaluated: 2025-01-20. Review status: criteria provided, single submitter. Criteria: Invitae Variant Classification Sherloc (09022015). Collection method: clinical testing. Allele origin: germline.
Comment: This sequence change replaces glycine, which is neutral and non-polar, with serine, which is neutral and polar, at codon 906 of the COL17A1 protein (p.Gly906Ser). This variant is present in population databases (rs575026913, gnomAD 0.02%). This variant has not been reported in the literature in individuals affected with COL17A1-related conditions. Invitae Evidence Modeling of protein sequence and biophysical properties (such as structural, functional, and spatial information, amino acid conservation, physicochemical variation, residue mobility, and thermodynamic stability) indicates that this missense variant is expected to disrupt COL17A1 protein function with a positive predictive value of 80%. In summary, the available evidence is currently insufficient to determine the role of this variant in disease. Therefore, it has been classified as a Variant of Uncertain Significance.